The following is an entry in ClinVar:

ClinVar aggregate classification (germline): Benign. Review status: criteria provided, multiple submitters, no conflicts (2 of 4 stars). 7 submissions from 7 submitters: Benign (7). Last evaluated 2026-02-04.

Conditions:
Charcot-Marie-Tooth disease. Also called: Charcot-Marie-Tooth Neuropathy; Charcot-Marie-Tooth Hereditary Neuropathy. Identifiers: Orphanet 166, MedGen C0007959, MONDO:0015626.
Charcot-Marie-Tooth disease type 4. Also called: Charcot-Marie-Tooth disease, type IV; Charcot-Marie-Tooth, Type 4. Identifiers: Orphanet 64749, MedGen C4082197, MONDO:0018995.
Charcot-Marie-Tooth disease type 4H (CMT4H). Also called: CHARCOT-MARIE-TOOTH DISEASE, AUTOSOMAL RECESSIVE, TYPE 4H; CHARCOT-MARIE-TOOTH DISEASE, DEMYELINATING, AUTOSOMAL RECESSIVE, TYPE 4H; CHARCOT-MARIE-TOOTH NEUROPATHY, TYPE 4H; CHARCOT-MARIE-TOOTH DISEASE, DEMYELINATING, TYPE 4H. Identifiers: Orphanet 99954, MedGen C1836336, MONDO:0012250, OMIM 609311.

Allele frequency attached by ClinVar (database versions not stated): 1000 Genomes Project 0.03834; 1000 Genomes Project 30x 0.03873; TOPMed 0.06701; ESP Exome Variant Server 0.07404; gnomAD 0.07550 and 0.07737; ExAC 0.07816; gnomAD exomes 0.07839 and 0.09257.
gnomAD v4.1: 146,383 of 1,613,464 alleles (9.1%); highest among the groups gnomAD compares: Non-Finnish European, 10%; 7,758 homozygotes.

Submissions (7):

Labcorp Genetics (formerly Invitae), Labcorp
Classification: Benign for Charcot-Marie-Tooth disease type 4. Last evaluated: 2026-02-04. Review status: criteria provided, single submitter. Criteria: Invitae Variant Classification Sherloc (09022015). Collection method: clinical testing. Allele origin: germline.

Illumina Laboratory Services, Illumina
Classification: Benign for Charcot-Marie-Tooth disease type 4H. Last evaluated: 2018-01-13. Review status: criteria provided, single submitter. Criteria: ICSL Variant Classification Criteria 13 December 2019. Collection method: clinical testing. Allele origin: germline.
Comment: This variant was observed in the ICSL laboratory as part of a predisposition screen in an ostensibly healthy population. It had not been previously curated by ICSL or reported in the Human Gene Mutation Database (HGMD: prior to June 1st, 2018), and was therefore a candidate for classification through an automated scoring system. Utilizing variant allele frequency, disease prevalence and penetrance estimates, and inheritance mode, an automated score was calculated to assess if this variant is too frequent to cause the disease. Based on the score and internal cut-off values, a variant classified as benign is not then subjected to further curation. The score for this variant resulted in a classification of benign for this disease.

Athena Diagnostics
Classification: Benign. Last evaluated: 2017-08-02. Review status: criteria provided, single submitter. Criteria: Athena Diagnostics Criteria. Collection method: clinical testing. Allele origin: germline.

Mayo Clinic Laboratories, Mayo Clinic
Classification: Benign. Last evaluated: 2015-10-22. Review status: criteria provided, single submitter. Criteria: ACMG Guidelines, 2015. Collection method: clinical testing. Allele origin: germline. Observed: 414 variant alleles.

GeneDx
Classification: Benign. Last evaluated: 2015-03-03. Review status: criteria provided, single submitter. Criteria: GeneDx Variant Classification Process June 2021. Collection method: clinical testing. Allele origin: germline. Affected: yes.

Breakthrough Genomics
Classification: Benign. Review status: criteria provided, single submitter. Criteria: ACMG Guidelines, 2015. Collection method: not provided. Allele origin: germline. Inheritance: Autosomal recessive inheritance. Affected: yes.

Molecular Genetics Laboratory, London Health Sciences Centre
Classification: Benign for Charcot-Marie-Tooth disease. Review status: criteria provided, single submitter. Criteria: ACMG Guidelines, 2015. Collection method: clinical testing. Allele origin: germline. Affected: yes.

NM_001370298.3(FGD4):c.1404+8G>A

Gene: FGD4 (FYVE, RhoGEF and PH domain containing 4; plus strand). Cytogenetic location: 12p11.21.
Variant type: single nucleotide variant.
Coding change: c.1404+8G>A on transcript NM_001370298.3 (MANE Select); 8 bases into the intron after coding-DNA position 1404, G replaced by A.
Molecular consequence: intron variant.
Genome position (GRCh38, 1-based): chr12:32,602,325, G>A. VCF-style: chr12-32602325-G-A. GRCh37 (hg19) VCF-style: chr12-32755259-G-A.
Other names: p.?; c.1404+8G>A (NM_001384126.1); c.1248+8G>A (NM_001304481.2); c.714+8G>A (NM_001330374.2, NM_001330373.2, NM_001384130.1); c.993+8G>A (NM_139241.3, NM_001384127.1, NM_001385118.1 and 1 more transcripts); c.-59+8G>A (NM_001304484.2); c.441+8G>A (NM_001370297.1); c.249+8G>A (NM_001304483.2).
Identifiers: ClinVar variation 308292 (VCV000308292.21), dbSNP rs12823621, ClinGen allele CA6506766.